The following is an entry in ClinVar:

NM_015662.3(IFT172):c.3637G>A (p.Glu1213Lys)

Genes: IFT172 (intraflagellar transport 172; minus strand), LOC126806173 (BRD4-independent group 4 enhancer GRCh37_chr2:27676057-27677256; plus strand). Cytogenetic location: 2p23.3.
Variant type: single nucleotide variant.
Coding change: c.3637G>A on transcript NM_015662.3 (MANE Select); coding-DNA position 3637, G replaced by A.
Protein change: p.Glu1213Lys; replaces glutamic acid 1213 with lysine.
Molecular consequence: missense variant.
Genome position (GRCh38, 1-based): chr2:27,454,056, C>T on the plus strand (G>A on the coding strand, the complement: IFT172 is on the minus strand). VCF-style: chr2-27454056-C-T. GRCh37 (hg19) VCF-style: chr2-27676923-C-T.
Other names: c.3637G>A (NM_015662.1, NM_015662.2); c.3571G>A, p.Glu1191Lys (NM_001410739.1); short protein forms E1191K, E1213K.
Identifiers: ClinVar variation 2169255 (VCV002169255.4), dbSNP rs760768488, ClinGen allele CA1579910.

ClinVar aggregate classification (germline): Uncertain significance. Review status: criteria provided, multiple submitters, no conflicts (2 of 4 stars). 4 submissions from 4 submitters: Uncertain significance (4). Last evaluated 2025-10-20.

Conditions:
IFT172-related disorder. Also called: IFT172-related disorders; IFT172-related condition.
Bardet-Biedl syndrome 20. Identifiers: MedGen C4310707, MONDO:0023670, OMIM 619471, MONDO:0014926.
Retinitis pigmentosa 71 (RP71). Identifiers: Orphanet 791, MedGen C4225342, MONDO:0014618, OMIM 616394.
Short-rib thoracic dysplasia 10 with or without polydactyly (SRTD10). Identifiers: Orphanet 474, MedGen C3810175, MONDO:0014284, OMIM 615630.
Inborn genetic diseases. Identifiers: MedGen C0950123, MeSH D030342.

Allele frequency attached by ClinVar (database versions not stated): ExAC 0.00001; gnomAD exomes 0.00001; gnomAD 0.00002; TOPMed 0.00002.
gnomAD v4.1: 21 of 1,614,000 alleles (0.0013%); highest among the groups gnomAD compares: Non-Finnish European, 0.0017%; no homozygotes.

Submissions (4):

PreventionGenetics, part of Exact Sciences
Classification: Uncertain significance for IFT172-related condition. Last evaluated: 2025-10-20. Review status: criteria provided, single submitter. Criteria: ACMG Guidelines, 2015. Collection method: clinical testing. Allele origin: germline.
Comment: The IFT172 c.3637G>A variant is predicted to result in the amino acid substitution p.Glu1213Lys. To our knowledge, this variant has not been reported in the literature. This variant is reported in 0.0016% of alleles in individuals of European (Non-Finnish) descent in gnomAD. At this time, the clinical significance of this variant is uncertain due to the absence of conclusive functional and genetic evidence.

Ambry Genetics
Classification: Uncertain significance for Inborn genetic diseases. Last evaluated: 2024-07-10. Review status: criteria provided, single submitter. Criteria: Ambry Variant Classification Scheme 2023. Collection method: clinical testing. Allele origin: germline.

Fulgent Genetics
Classification: Uncertain significance for Short-rib thoracic dysplasia 10 with or without polydactyly; Retinitis pigmentosa 71; Bardet-Biedl syndrome 20. Last evaluated: 2023-12-27. Review status: criteria provided, single submitter. Criteria: ACMG Guidelines, 2015. Collection method: clinical testing. Allele origin: germline.

Labcorp Genetics (formerly Invitae), Labcorp
Classification: Uncertain significance for Retinitis pigmentosa 71; Short-rib thoracic dysplasia 10 with or without polydactyly. Last evaluated: 2022-03-26. Review status: criteria provided, single submitter. Criteria: Invitae Variant Classification Sherloc (09022015). Collection method: clinical testing. Allele origin: germline.
Comment: This sequence change replaces glutamic acid, which is acidic and polar, with lysine, which is basic and polar, at codon 1213 of the IFT172 protein (p.Glu1213Lys). The frequency data for this variant in the population databases is considered unreliable, as metrics indicate poor data quality at this position in the gnomAD database. This variant has not been reported in the literature in individuals affected with IFT172-related conditions. Algorithms developed to predict the effect of missense changes on protein structure and function (SIFT, PolyPhen-2, Align-GVGD) all suggest that this variant is likely to be tolerated. In summary, the available evidence is currently insufficient to determine the role of this variant in disease. Therefore, it has been classified as a Variant of Uncertain Significance.